The following is an entry in ClinVar:

ClinVar aggregate classification (germline): Likely benign (0 of 4 stars; one submission).

Conditions:
SEMA3F-related disorder. Also called: SEMA3F-related condition.

Allele frequency attached by ClinVar (database versions not stated): gnomAD 0.00001; gnomAD exomes 0.00003; ExAC 0.00007.
gnomAD v4.1: 40 of 1,612,396 alleles (0.0025%); highest among the groups gnomAD compares: South Asian, 0.032%; no homozygotes.

Submission:

PreventionGenetics, part of Exact Sciences
Classification: Likely benign for SEMA3F-related condition. Last evaluated: 2022-08-26. Review status: no assertion criteria provided. Collection method: clinical testing. Allele origin: germline.
Comment: This variant is classified as likely benign based on ACMG/AMP sequence variant interpretation guidelines (Richards et al. 2015 PMID: 25741868, with internal and published modifications).

NM_004186.5(SEMA3F):c.1605G>A (p.Ala535=)

Gene: SEMA3F (semaphorin 3F; plus strand). Cytogenetic location: 3p21.31.
Variant type: single nucleotide variant.
Coding change: c.1605G>A on transcript NM_004186.5 (MANE Select); coding-DNA position 1605, G replaced by A.
Protein change: p.Ala535=; no amino-acid change (alanine 535 retained).
Molecular consequence: synonymous variant.
Genome position (GRCh38, 1-based): chr3:50,185,906, G>A. VCF-style: chr3-50185906-G-A. GRCh37 (hg19) VCF-style: chr3-50223339-G-A.
Other names: c.1308G>A, p.Ala436= (NM_001318798.2); c.1512G>A, p.Ala504= (NM_001318800.2).
Identifiers: ClinVar variation 3031144 (VCV003031144.2), dbSNP rs746778401, ClinGen allele CA2412184.